The following is an entry in ClinVar:

ClinVar aggregate classification (germline): Conflicting classifications of pathogenicity. Review status: criteria provided, conflicting classifications (1 of 4 stars). 4 submissions from 4 submitters: Uncertain significance (2); Likely benign (1). 1 of the submissions does not count toward it. Last evaluated 2025-12-31.

Conditions:
Very long chain acyl-CoA dehydrogenase deficiency (ACADVLD). Also called: VLCAD Deficiency; Very Long-Chain Acyl-Coenzyme A Dehydrogenase Deficiency. Identifiers: Orphanet 26793, MedGen C3887523, MONDO:0008723, OMIM 201475.

Allele frequency attached by ClinVar (database versions not stated): gnomAD exomes below 0.00001; TOPMed below 0.00001.

Submissions (4):

Labcorp Genetics (formerly Invitae), Labcorp
Classification: Likely benign for Very long chain acyl-CoA dehydrogenase deficiency. Last evaluated: 2025-12-31. Review status: criteria provided, single submitter. Criteria: Invitae Variant Classification Sherloc (09022015). Collection method: clinical testing. Allele origin: germline.

Mayo Clinic Laboratories, Mayo Clinic
Classification: Uncertain significance. Last evaluated: 2025-09-11. Review status: criteria provided, single submitter. Criteria: ACMG Guidelines, 2015. Collection method: clinical testing. Allele origin: germline. Observed: 1 variant allele.
Comment: PM2_supporting

ARUP Laboratories, Molecular Genetics and Genomics, ARUP Laboratories
Classification: Uncertain significance. Last evaluated: 2017-11-03. Review status: criteria provided, single submitter. Criteria: ARUP Molecular Germline Variant Investigation Process. Collection method: clinical testing. Allele origin: germline.
Comment: The ACADVL c.1287G>A; p.Val429Val variant is not described in the medical literature, in the ClinVar database, or in gene-specific databases. The variant is not listed in the dbSNP variant database or in the general population-based databases (Exome Variant Server, Genome Aggregation Database). This is a silent variant, the nucleotide at this position is moderately conserved across species, and computational algorithms (SpliceSiteFinder-like, MaxEntScan, NNSplice, GeneSplicer, Human Splicing Finder) predict this variant strengthens a cryptic splice signal and may alter mRNA splicing. Considering available information, the clinical significance of this variant cannot be determined with certainty.

Natera, Inc.
Classification: Uncertain significance for Very long chain acyl-CoA dehydrogenase deficiency. Last evaluated: 2025-01-27. Review status: no assertion criteria provided. Collection method: clinical testing. Allele origin: germline. Not counted in ClinVar's aggregate classification.

NM_000018.4(ACADVL):c.1287G>A (p.Val429=)

Gene: ACADVL (acyl-CoA dehydrogenase very long chain; plus strand). Cytogenetic location: 17p13.1.
Variant type: single nucleotide variant.
Coding change: c.1287G>A on transcript NM_000018.4 (MANE Select); coding-DNA position 1287, G replaced by A.
Protein change: p.Val429=; no amino-acid change (valine 429 retained).
Molecular consequence: synonymous variant.
Genome position (GRCh38, 1-based): chr17:7,223,830, G>A. VCF-style: chr17-7223830-G-A. GRCh37 (hg19) VCF-style: chr17-7127149-G-A.
Other names: p.Val429=; c.1287G>A (NM_000018.3); c.1221G>A, p.Val407= (NM_001033859.3); c.1356G>A, p.Val452= (NM_001270447.2); c.1059G>A, p.Val353= (NM_001270448.2).
Identifiers: ClinVar variation 618503 (VCV000618503.17), dbSNP rs999226548, ClinGen allele CA287439475.